The following is an entry in ClinVar:

ClinVar aggregate classification (germline): Uncertain significance (1 of 4 stars; one submission).

Conditions:
C2-related disorder. Also called: C2-related condition; C2-related disorders.

Allele frequency attached by ClinVar (database versions not stated): TOPMed below 0.00001; gnomAD 0.00001.

Submission:

PreventionGenetics, part of Exact Sciences
Classification: Uncertain significance for C2-related condition. Last evaluated: 2022-10-17. Review status: criteria provided, single submitter. Criteria: ACMG Guidelines, 2015. Collection method: clinical testing. Allele origin: germline.
Comment: The C2 c.557C>G variant is predicted to result in the amino acid substitution p.Ser186Cys. To our knowledge, this variant has not been reported in the literature or in a large population database, indicating this variant is rare. At this time, the clinical significance of this variant is uncertain due to the absence of conclusive functional and genetic evidence.

NM_000063.6(C2):c.557C>G (p.Ser186Cys)

Gene: C2 (complement C2; plus strand). Cytogenetic location: 6p21.33.
Variant type: single nucleotide variant.
Coding change: c.557C>G on transcript NM_000063.6 (MANE Select); coding-DNA position 557, C replaced by G.
Protein change: p.Ser186Cys; replaces serine 186 with cysteine.
Molecular consequence: missense variant.
Genome position (GRCh38, 1-based): chr6:31,933,724, C>G. VCF-style: chr6-31933724-C-G. GRCh37 (hg19) VCF-style: chr6-31901501-C-G.
Other names: c.161C>G, p.Ser54Cys (NM_001145903.3); c.188C>G, p.Ser63Cys (NM_001178063.3); c.52C>G, p.Leu18Val (NM_001282457.2); c.470C>G, p.Ser157Cys (NM_001282458.2); c.557C>G, p.Ser186Cys (NM_001282459.2); short protein forms L18V, S157C, S186C, S54C, S63C.
Identifiers: ClinVar variation 2628464 (VCV002628464.1), dbSNP rs1282136889, ClinGen allele CA363496271.